The following is an entry in ClinVar:

NM_000092.5(COL4A4):c.3678T>G (p.Arg1226=)

Gene: COL4A4 (collagen type IV alpha 4 chain; minus strand). Cytogenetic location: 2q36.3.
Variant type: single nucleotide variant.
Coding change: c.3678T>G on transcript NM_000092.5 (MANE Select); coding-DNA position 3678, T replaced by G.
Protein change: p.Arg1226=; no amino-acid change (arginine 1226 retained).
Molecular consequence: synonymous variant.
Genome position (GRCh38, 1-based): chr2:227,032,176, A>C on the plus strand (T>G on the coding strand, the complement: COL4A4 is on the minus strand). VCF-style: chr2-227032176-A-C. GRCh37 (hg19) VCF-style: chr2-227896892-A-C.
Other names: c.3678T>G (NM_000092.4).
Identifiers: ClinVar variation 1081339 (VCV001081339.10), dbSNP rs1968570536, ClinGen allele CA431663614.

ClinVar aggregate classification (germline): Conflicting classifications of pathogenicity. Review status: criteria provided, conflicting classifications (1 of 4 stars). 2 submissions from 2 submitters: Uncertain significance (1); Likely benign (1). Last evaluated 2024-01-30.

Submissions (2):

GeneDx
Classification: Uncertain significance. Last evaluated: 2024-01-30. Review status: criteria provided, single submitter. Criteria: GeneDx Variant Classification Process June 2021. Collection method: clinical testing. Allele origin: germline. Affected: yes.
Comment: Not observed at significant frequency in large population cohorts (gnomAD); In silico analysis supports that this variant does not alter splicing; Has not been previously published as pathogenic or benign to our knowledge

Labcorp Genetics (formerly Invitae), Labcorp
Classification: Likely benign. Last evaluated: 2024-01-15. Review status: criteria provided, single submitter. Criteria: Invitae Variant Classification Sherloc (09022015). Collection method: clinical testing. Allele origin: germline.